The following is an entry in ClinVar:

ClinVar aggregate classification (germline): Uncertain significance. Review status: criteria provided, multiple submitters, no conflicts (2 of 4 stars). 3 submissions from 3 submitters: Uncertain significance (2). 1 of the submissions does not count toward it. Last evaluated 2026-01-19.

Conditions:
RNF31-related disorder. Also called: RNF31-related condition.

Allele frequency attached by ClinVar (database versions not stated): gnomAD exomes 0.00004 and 0.00018; ESP Exome Variant Server 0.00008; gnomAD 0.00017 and 0.00018; ExAC 0.00019; TOPMed 0.00021; 1000 Genomes Project 30x 0.00031; 1000 Genomes Project 0.00040.
gnomAD v4.1: 112 of 1,614,200 alleles (0.0069%); highest among the groups gnomAD compares: East Asian, 0.11%; no homozygotes.

Submissions (3):

Labcorp Genetics (formerly Invitae), Labcorp
Classification: Uncertain significance. Last evaluated: 2026-01-19. Review status: criteria provided, single submitter. Criteria: Invitae Variant Classification Sherloc (09022015). Collection method: clinical testing. Allele origin: germline.
Comment: This sequence change replaces glycine, which is neutral and non-polar, with arginine, which is basic and polar, at codon 602 of the RNF31 protein (p.Gly602Arg). This variant is present in population databases (rs375638461, gnomAD 0.2%), and has an allele count higher than expected for a pathogenic variant. This variant has not been reported in the literature in individuals affected with RNF31-related conditions. ClinVar contains an entry for this variant (Variation ID: 1501651). An algorithm developed to predict the effect of missense changes on protein structure and function (PolyPhen-2) suggests that this variant is likely to be disruptive. In summary, the available evidence is currently insufficient to determine the role of this variant in disease. Therefore, it has been classified as a Variant of Uncertain Significance.

Blueprint Genetics
Classification: Uncertain significance. Last evaluated: 2024-11-26. Review status: criteria provided, single submitter. Criteria: ACMG Guidelines, 2015. Collection method: clinical testing. Allele origin: germline.

PreventionGenetics, part of Exact Sciences
Classification: Likely benign for RNF31-related condition. Last evaluated: 2023-10-30. Review status: no assertion criteria provided. Collection method: clinical testing. Allele origin: germline. Not counted in ClinVar's aggregate classification.
Comment: This variant is classified as likely benign based on ACMG/AMP sequence variant interpretation guidelines (Richards et al. 2015 PMID: 25741868, with internal and published modifications).

NM_017999.5(RNF31):c.1804G>A (p.Gly602Arg)

Gene: RNF31 (ring finger protein 31; plus strand). Cytogenetic location: 14q12.
Variant type: single nucleotide variant.
Coding change: c.1804G>A on transcript NM_017999.5 (MANE Select); coding-DNA position 1804, G replaced by A.
Protein change: p.Gly602Arg; replaces glycine 602 with arginine.
Molecular consequence: missense variant.
Genome position (GRCh38, 1-based): chr14:24,151,551, G>A. VCF-style: chr14-24151551-G-A. GRCh37 (hg19) VCF-style: chr14-24620760-G-A.
Other names: c.1804G>A (NM_017999.4); c.1351G>A, p.Gly451Arg (NM_001310332.2); short protein forms G451R, G602R.
Identifiers: ClinVar variation 1501651 (VCV001501651.11), dbSNP rs375638461, ClinGen allele CA7125890.